The following is an entry in ClinVar:

ClinVar aggregate classification (germline): Likely pathogenic (1 of 4 stars; one submission).

Conditions:
Developmental and epileptic encephalopathy, 54. Also called: Epileptic encephalopathy, early infantile, 54; HNRNPU-Related Neurodevelopmental Disorder. Identifiers: MedGen C4479319, MONDO:0033363, OMIM 617391.

Submission:

3billion
Classification: Likely pathogenic for Developmental and epileptic encephalopathy, 54. Last evaluated: 2022-03-22. Review status: criteria provided, single submitter. Criteria: ACMG Guidelines, 2015. Collection method: clinical testing. Allele origin: germline. Affected: yes. Observed: 1 heterozygote.
Comment: Frameshift: predicted to result in a loss or disruption of normal protein function through nonsense-mediated decay (NMD) or protein truncation. Multiple pathogenic variants are reported downstream of the variant.It is not observed in the gnomAD v2.1.1 dataset. Therefore, this variant is classified as likely pathogenic according to the recommendation of ACMG/AMP guideline.

NM_031844.3(HNRNPU):c.520del (p.Gln174fs)

Gene: HNRNPU (heterogeneous nuclear ribonucleoprotein U; minus strand). Cytogenetic location: 1q44.
Variant type: Deletion.
Coding change: c.520del on transcript NM_031844.3 (MANE Select); coding-DNA position 520, one base deleted (C; older notation c.520delC).
Protein change: p.Gln174fs; shifts the reading frame from glutamine 174.
Molecular consequence: frameshift variant.
Genome position (GRCh38, 1-based): chr1:244,863,788, G deleted on the plus strand (C on the coding strand, the reverse complement: HNRNPU is on the minus strand); the first of 4 consecutive G bases (chr1:244,863,788-244,863,791); deleting any one gives the same sequence. VCF-style (leftmost placement, unchanged base first): chr1-244863787-TG-T. GRCh37 (hg19) VCF-style: chr1-245027089-TG-T.
Other names: c.520del, p.Gln174fs (NM_004501.3); short protein forms Q174fs.
Identifiers: ClinVar variation 1526082 (VCV001526082.1), dbSNP rs2102990594, ClinGen allele CA2573132982.
Genomic context (GRCh38, chr1:244,863,787, plus strand): 5'-AACAGCGAGGTGGGGCCGCTGCTCTTCCCCGCGGCCTCCTTGGCGGCCCCGCGCTGCTGT[TG>T]GGGCTGTTGCTGCTGCGTCGCCGGCGGTTGAGGCTGCTGCTCCCCGTGCCCGTTCTCGTC-3'